The following is an entry in ClinVar:

NM_001163435.3(TBCK):c.2059+4T>C

Gene: TBCK (TBC1 domain containing kinase; minus strand). Cytogenetic location: 4q24.
Variant type: single nucleotide variant.
Coding change: c.2059+4T>C on transcript NM_001163435.3 (MANE Select); 4 bases into the intron after coding-DNA position 2059, T replaced by C.
Molecular consequence: intron variant.
Genome position (GRCh38, 1-based): chr4:106,193,605, A>G on the plus strand (T>C on the coding strand, the complement: TBCK is on the minus strand). VCF-style: chr4-106193605-A-G. GRCh37 (hg19) VCF-style: chr4-107114762-A-G.
Other names: c.2059+4T>C (NM_001163436.4); c.1870+4T>C (NM_033115.5); c.1942+4T>C (NM_001163437.3); c.1543+4T>C (NM_001290768.2).
Identifiers: ClinVar variation 1403831 (VCV001403831.3), dbSNP rs1560796071, ClinGen allele CA554049739.
Genomic context (GRCh38, chr4:106,193,605, plus strand): 5'-TAAGAATGTGTCATTATTTCATAGTCAAATTTCATTTAATGGCTCCATTTATTTAGATCT[A>G]TACCTGGTAAATCGGAGAAGAGAAGAATACACTCATTAAAGCCATTAGCCAAAAGCCGGT-3'

ClinVar aggregate classification (germline): Uncertain significance (1 of 4 stars; one submission).

Allele frequency attached by ClinVar (database versions not stated): gnomAD exomes below 0.00001; TOPMed 0.00002.
gnomAD v4.1: 2 of 1,613,062 alleles (0.00012%); highest among the groups gnomAD compares: Admixed American, 0.0017%; no homozygotes.

Submission:

Labcorp Genetics (formerly Invitae), Labcorp
Classification: Uncertain significance. Last evaluated: 2022-10-03. Review status: criteria provided, single submitter. Criteria: Invitae Variant Classification Sherloc (09022015). Collection method: clinical testing. Allele origin: germline.
Comment: This sequence change falls in intron 22 of the TBCK gene. It does not directly change the encoded amino acid sequence of the TBCK protein. It affects a nucleotide within the consensus splice site. This variant is present in population databases (no rsID available, gnomAD 0.003%). This variant has not been reported in the literature in individuals affected with TBCK-related conditions. ClinVar contains an entry for this variant (Variation ID: 1403831). Variants that disrupt the consensus splice site are a relatively common cause of aberrant splicing (PMID: 17576681, 9536098). Algorithms developed to predict the effect of sequence changes on RNA splicing suggest that this variant is not likely to affect RNA splicing. In summary, the available evidence is currently insufficient to determine the role of this variant in disease. Therefore, it has been classified as a Variant of Uncertain Significance.

Literature cited by the submitters: PubMed 17576681; PubMed 9536098.